The following is an entry in ClinVar:

NM_133433.4(NIPBL):c.7012G>A (p.Ala2338Thr)

Gene: NIPBL (NIPBL cohesin loading factor; plus strand). Cytogenetic location: 5p13.2.
Variant type: single nucleotide variant.
Coding change: c.7012G>A on transcript NM_133433.4 (MANE Select); coding-DNA position 7012, G replaced by A.
Protein change: p.Ala2338Thr; replaces alanine 2338 with threonine.
Molecular consequence: missense variant.
Genome position (GRCh38, 1-based): chr5:37,051,836, G>A. VCF-style: chr5-37051836-G-A. GRCh37 (hg19) VCF-style: chr5-37051938-G-A.
Other names: c.7012G>A, p.Ala2338Thr (NM_015384.5); short protein forms A2338T.
Identifiers: ClinVar variation 3899514 (VCV003899514.1).

ClinVar aggregate classification (germline): Uncertain significance (1 of 4 stars; one submission).

Submission:

GeneDx
Classification: Uncertain significance. Last evaluated: 2024-11-14. Review status: criteria provided, single submitter. Criteria: GeneDx Variant Classification Process June 2021. Collection method: clinical testing. Allele origin: germline. Affected: yes.
Comment: Not observed at significant frequency in large population cohorts (gnomAD); In silico analysis supports that this missense variant has a deleterious effect on protein structure/function; Has not been previously published as pathogenic or benign to our knowledge